The following is an entry in ClinVar:

ClinVar aggregate classification (germline): Uncertain significance (1 of 4 stars; one submission).

gnomAD v4.1: 4 of 1,552,222 alleles (0.00026%); highest among the groups gnomAD compares: Admixed American, 0.002%; no homozygotes.

Submission:

Labcorp Genetics (formerly Invitae), Labcorp
Classification: Uncertain significance. Last evaluated: 2025-04-18. Review status: criteria provided, single submitter. Criteria: Invitae Variant Classification Sherloc (09022015). Collection method: clinical testing. Allele origin: germline.
Comment: This sequence change replaces proline, which is neutral and non-polar, with leucine, which is neutral and non-polar, at codon 1184 of the COL4A2 protein (p.Pro1184Leu). This variant is not present in population databases (gnomAD no frequency). This variant has not been reported in the literature in individuals affected with COL4A2-related conditions. Invitae Evidence Modeling of protein sequence and biophysical properties (such as structural, functional, and spatial information, amino acid conservation, physicochemical variation, residue mobility, and thermodynamic stability) indicates that this missense variant is not expected to disrupt COL4A2 protein function with a negative predictive value of 95%. In summary, the available evidence is currently insufficient to determine the role of this variant in disease. Therefore, it has been classified as a Variant of Uncertain Significance.

NM_001846.4(COL4A2):c.3551C>T (p.Pro1184Leu)

Gene: COL4A2 (collagen type IV alpha 2 chain; plus strand). Cytogenetic location: 13q34.
Variant type: single nucleotide variant.
Coding change: c.3551C>T on transcript NM_001846.4 (MANE Select); coding-DNA position 3551, C replaced by T.
Protein change: p.Pro1184Leu; replaces proline 1184 with leucine.
Molecular consequence: missense variant.
Genome position (GRCh38, 1-based): chr13:110,492,166, C>T. VCF-style: chr13-110492166-C-T. GRCh37 (hg19) VCF-style: chr13-111144513-C-T.
Other names: short protein forms P1184L.
Identifiers: ClinVar variation 4805523 (VCV004805523.1).